The following is an entry in ClinVar:

Conditions:
Long QT syndrome 5 (LQT5). Identifiers: Orphanet 101016, Orphanet 768, MedGen C1867904, MONDO:0013372, OMIM 613695.

Submission:

Roden Lab, Vanderbilt University Medical Center
No classification provided (evidence only). Condition: Long QT syndrome 5. Review status: no classification provided. Collection method: in vitro. Allele origin: not applicable. Functional consequence: Effect on ion channel function.
ClinVar note: "not provided" was previously submitted as the classification for the variant. However, the classification appeared to be based only on an observation of functional data so it was converted to no classification on 2025-07-30.

NM_000219.6(KCNE1):c.346G>A (p.Glu116Lys)

Gene: KCNE1 (potassium voltage-gated channel subfamily E regulatory subunit 1; minus strand). Cytogenetic location: 21q22.12.
Variant type: single nucleotide variant.
Coding change: c.346G>A on transcript NM_000219.6 (MANE Select); coding-DNA position 346, G replaced by A.
Protein change: p.Glu116Lys; replaces glutamic acid 116 with lysine.
Molecular consequence: missense variant.
Genome position (GRCh38, 1-based): chr21:34,449,289, C>T on the plus strand (G>A on the coding strand, the complement: KCNE1 is on the minus strand). VCF-style: chr21-34449289-C-T. GRCh37 (hg19) VCF-style: chr21-35821587-C-T.
Other names: c.346G>A, p.Glu116Lys (NM_001127668.4, NM_001127669.4, NM_001127670.4 and 4 more transcripts); short protein forms E116K.
Identifiers: ClinVar variation 3373783 (VCV003373783.2).